The following is an entry in ClinVar:

NM_017612.5(ZCCHC8):c.74A>G (p.Lys25Arg)

Gene: ZCCHC8 (zinc finger CCHC-type containing 8; minus strand). Cytogenetic location: 12q24.31.
Variant type: single nucleotide variant.
Coding change: c.74A>G on transcript NM_017612.5 (MANE Select); coding-DNA position 74, A replaced by G.
Protein change: p.Lys25Arg; replaces lysine 25 with arginine.
Molecular consequence: missense variant. On other transcripts: 5 prime UTR variant (3).
Genome position (GRCh38, 1-based): chr12:122,500,767, T>C on the plus strand (A>G on the coding strand, the complement: ZCCHC8 is on the minus strand). VCF-style: chr12-122500767-T-C. GRCh37 (hg19) VCF-style: chr12-122985314-T-C.
Other names: c.74A>G, p.Lys25Arg (NM_001350935.2); c.-850A>G (NM_001350936.2); c.-471A>G (NM_001350937.2); c.-365A>G (NM_001350938.2); short protein forms K25R.
Identifiers: ClinVar variation 1997217 (VCV001997217.4), dbSNP rs756361098, ClinGen allele CA6846542.

ClinVar aggregate classification (germline): Uncertain significance (1 of 4 stars; one submission).

Allele frequency attached by ClinVar (database versions not stated): ExAC 0.00003.

Submission:

Labcorp Genetics (formerly Invitae), Labcorp
Classification: Uncertain significance. Last evaluated: 2022-08-23. Review status: criteria provided, single submitter. Criteria: Invitae Variant Classification Sherloc (09022015). Collection method: clinical testing. Allele origin: germline.
Comment: This sequence change replaces lysine, which is basic and polar, with arginine, which is basic and polar, at codon 25 of the ZCCHC8 protein (p.Lys25Arg). The frequency data for this variant in the population databases is considered unreliable, as metrics indicate poor data quality at this position in the gnomAD database. In summary, the available evidence is currently insufficient to determine the role of this variant in disease. Therefore, it has been classified as a Variant of Uncertain Significance. Algorithms developed to predict the effect of missense changes on protein structure and function are either unavailable or do not agree on the potential impact of this missense change (SIFT: "Tolerated"; PolyPhen-2: "Not Available"; Align-GVGD: "Class C0"). This variant has not been reported in the literature in individuals affected with ZCCHC8-related conditions.